The following is an entry in ClinVar:

ClinVar aggregate classification (germline): Uncertain significance (1 of 4 stars; one submission).

Submission:

Labcorp Genetics (formerly Invitae), Labcorp
Classification: Uncertain significance. Last evaluated: 2021-07-14. Review status: criteria provided, single submitter. Criteria: Invitae Variant Classification Sherloc (09022015). Collection method: clinical testing. Allele origin: germline.
Comment: This sequence change replaces proline with glutamine at codon 60 of the CARMIL2 protein (p.Pro60Gln). The proline residue is moderately conserved and there is a moderate physicochemical difference between proline and glutamine. This variant is not present in population databases (ExAC no frequency). This variant has not been reported in the literature in individuals affected with CARMIL2-related conditions. Algorithms developed to predict the effect of missense changes on protein structure and function are either unavailable or do not agree on the potential impact of this missense change (SIFT: "Deleterious"; PolyPhen-2: "Probably Damaging"; Align-GVGD: "Class C0"). Algorithms developed to predict the effect of sequence changes on RNA splicing suggest that this variant may create or strengthen a splice site. In summary, the available evidence is currently insufficient to determine the role of this variant in disease. Therefore, it has been classified as a Variant of Uncertain Significance.

NM_001013838.3(CARMIL2):c.179C>A (p.Pro60Gln)

Gene: CARMIL2 (capping protein regulator and myosin 1 linker 2; plus strand). Cytogenetic location: 16q22.1.
Variant type: single nucleotide variant.
Coding change: c.179C>A on transcript NM_001013838.3 (MANE Select); coding-DNA position 179, C replaced by A.
Protein change: p.Pro60Gln; replaces proline 60 with glutamine.
Molecular consequence: missense variant.
Genome position (GRCh38, 1-based): chr16:67,645,770, C>A. VCF-style: chr16-67645770-C-A. GRCh37 (hg19) VCF-style: chr16-67679673-C-A.
Other names: c.179C>A, p.Pro60Gln (NM_001317026.3); short protein forms P60Q.
Identifiers: ClinVar variation 1505210 (VCV001505210.8), dbSNP rs2142907931, ClinGen allele CA396330519.